The following is an entry in ClinVar:

ClinVar aggregate classification (germline): Uncertain significance (1 of 4 stars; one submission).

gnomAD v4.1: 148 of 1,614,106 alleles (0.0092%); highest among the groups gnomAD compares: African/African-American, 0.13%; no homozygotes.

Submission:

Dasa
Classification: Uncertain significance. Last evaluated: 2025-03-25. Review status: criteria provided, single submitter. Criteria: DASA Assertion Criteria. Collection method: clinical testing. Allele origin: germline.
Comment: NM_000552.5(VWF):c.6878C>T (p.Thr2293Met) is a missense variant that results in the substitution of threonine with methionine. This variant is rare in population databases. Computational prediction algorithms are consistent with a benign effect. The currently available literature and clinical evidence are not sufficient to establish a definitive association between this variant and the reported condition. Therefore, this variant is classified as a variant of uncertain significance.

NM_000552.5(VWF):c.6878C>T (p.Thr2293Met)

Gene: VWF (von Willebrand factor; minus strand). Cytogenetic location: 12p13.31.
Variant type: single nucleotide variant.
Coding change: c.6878C>T on transcript NM_000552.5 (MANE Select); coding-DNA position 6878, C replaced by T.
Protein change: p.Thr2293Met; replaces threonine 2293 with methionine.
Molecular consequence: missense variant.
Genome position (GRCh38, 1-based): chr12:5,985,586, G>A on the plus strand (C>T on the coding strand, the complement: VWF is on the minus strand). VCF-style: chr12-5985586-G-A. GRCh37 (hg19) VCF-style: chr12-6094752-G-A.
Other names: short protein forms T2293M.
Identifiers: ClinVar variation 4882797 (VCV004882797.2).